The following is an entry in ClinVar:

NM_000492.4(CFTR):c.3083T>G (p.Met1028Arg)

Genes: CFTR (CF transmembrane conductance regulator; plus strand), CFTR-AS2 (CFTR antisense RNA 2; minus strand), LOC111674472 (DNase I hypersensitive sites in introns 16 and 17a of CFTR; plus strand). Cytogenetic location: 7q31.2.
Variant type: single nucleotide variant.
Coding change: c.3083T>G on transcript NM_000492.4 (MANE Select); coding-DNA position 3083, T replaced by G.
Protein change: p.Met1028Arg; replaces methionine 1028 with arginine.
Molecular consequence: missense variant.
Genome position (GRCh38, 1-based): chr7:117,610,613, T>G. VCF-style: chr7-117610613-T-G. GRCh37 (hg19) VCF-style: chr7-117250667-T-G.
Other names: short protein forms M1028R.
Identifiers: ClinVar variation 53647 (VCV000053647.26), dbSNP rs397508494, ClinGen allele CA327038.

ClinVar aggregate classification (germline): Conflicting classifications of pathogenicity. Review status: criteria provided, conflicting classifications (1 of 4 stars). 8 submissions from 8 submitters: Likely pathogenic (1); Uncertain significance (6). 1 of the submissions does not count toward it. Last evaluated 2026-03-18.

Conditions:
CFTR-related disorder (CFTR-RD). Also called: CFTR-related condition; CFTR-related disorders. Identifiers: MedGen C5924204, MONDO:7770004.
Cystic fibrosis (CF). Also called: MUCOVISCIDOSIS. Identifiers: Orphanet 586, MedGen C0010674, MONDO:0009061, OMIM 219700. Disease mechanism: loss of function.

Allele frequency attached by ClinVar (database versions not stated): gnomAD exomes below 0.00001 and 0.00001; TOPMed below 0.00001.

Submissions (8):

Women's Health and Genetics/Laboratory Corporation of America, LabCorp
Classification: Uncertain significance. Last evaluated: 2026-03-18. Review status: criteria provided, single submitter. Criteria: LabCorp Variant Classification Summary - May 2015. Collection method: clinical testing. Allele origin: germline.
Comment: Variant summary: CFTR c.3083T>G (p.Met1028Arg) results in a non-conservative amino acid change located in the ABC transporter type 1, transmembrane domain (IPR011527) of the encoded protein sequence. Algorithms developed to predict the effect of missense changes on protein structure and function are either unavailable or do not agree on the potential impact of this missense change. The variant allele was found at a frequency of 8e-06 in 251046 control chromosomes. c.3083T>G has been reported in the literature as a compound heterozygous genotype in at-least three individuals affected with Cystic Fibrosis or Congenital Bilateral Absence Of The Vas Deferens (CBAVD) (example, Steiner_2011, Trujillano_2013, Lazaro_1999, Sermet-Gaudelius_2017). These data indicate that the variant may be associated with disease. To our knowledge, no experimental evidence demonstrating an impact on protein function has been reported. The following publications have been ascertained in the context of this evaluation (PMID: 10571949, 23523379, 29174009, 21520337, 23687349). ClinVar contains an entry for this variant (Variation ID: 53647). Based on the evidence outlined above, the variant was classified as VUS-possibly pathogenic.

PreventionGenetics, part of Exact Sciences
Classification: Uncertain significance for CFTR-related condition. Last evaluated: 2025-12-02. Review status: criteria provided, single submitter. Criteria: ACMG Guidelines, 2015. Collection method: clinical testing. Allele origin: germline.
Comment: The CFTR c.3083T>G variant is predicted to result in the amino acid substitution p.Met1028Arg. This variant has been reported in the presumed compound heterozygous state in unrelated individuals with cystic fibrosis (Trujillano et al. 2013. PubMed ID: 23687349; Sermet-Gaudelus et al. 2017. PubMed ID: 29174009). This variant has also been reported in the heterozygous state in an individual with asthma and individuals with congenital bilateral absence of vas deferens (Lázaro et al. 1999. PubMed ID: 10571949; Table S5, Steiner et al. 2011. PubMed ID: 21520337; CFTR-France). This variant is reported in 0.0058% of alleles in individuals of Latino descent in gnomAD and has conflicting classifications in the ClinVar database ranging from uncertain to likely pathogenic (Variation ID: 53647). A different missense change impacting the same amino acid (c.3084G>T, p.Met1028Ile) has been reported in the heterozygous state and without a second identified CFTR variant in an individual with an elevated sweat test (Onay et al. 1998. PubMed ID: 9521595). Although we suspect that the c.3083T>G (p.Met1028Arg) variant may be pathogenic, at this time, the clinical significance of this variant is uncertain due to the absence of conclusive functional and genetic evidence.

Ambry Genetics
Classification: Uncertain significance for Cystic fibrosis. Last evaluated: 2025-06-03. Review status: criteria provided, single submitter. Criteria: Ambry Variant Classification Scheme 2023. Collection method: clinical testing. Allele origin: germline.
Comment: The p.M1028R variant (also known as c.3083T>G), located in coding exon 19 of the CFTR gene, results from a T to G substitution at nucleotide position 3083. The methionine at codon 1028 is replaced by arginine, an amino acid with similar properties. This amino acid position is not well conserved in available vertebrate species. In addition, the in silico prediction for this alteration is inconclusive. Based on the available evidence, the clinical significance of this variant remains unclear.

Labcorp Genetics (formerly Invitae), Labcorp
Classification: Uncertain significance for Cystic fibrosis. Last evaluated: 2024-04-30. Review status: criteria provided, single submitter. Criteria: Invitae Variant Classification Sherloc (09022015). Collection method: clinical testing. Allele origin: germline.
Comment: This sequence change replaces methionine, which is neutral and non-polar, with arginine, which is basic and polar, at codon 1028 of the CFTR protein (p.Met1028Arg). This variant is present in population databases (rs397508494, gnomAD 0.006%). This missense change has been observed in individual(s) with CFTR-related conditions (PMID: 21520337, 23687349). ClinVar contains an entry for this variant (Variation ID: 53647). Advanced modeling of protein sequence and biophysical properties (such as structural, functional, and spatial information, amino acid conservation, physicochemical variation, residue mobility, and thermodynamic stability) performed at Invitae indicates that this missense variant is not expected to disrupt CFTR protein function with a negative predictive value of 80%. In summary, the available evidence is currently insufficient to determine the role of this variant in disease. Therefore, it has been classified as a Variant of Uncertain Significance.

Genome-Nilou Lab
Classification: Uncertain significance for Cystic fibrosis. Last evaluated: 2021-09-05. Review status: criteria provided, single submitter. Criteria: ACMG Guidelines, 2015. Collection method: clinical testing. Allele origin: germline. Affected: no.

Mayo Clinic Laboratories, Mayo Clinic
Classification: Likely pathogenic. Last evaluated: 2021-02-05. Review status: criteria provided, single submitter. Criteria: ACMG Guidelines, 2015. Collection method: clinical testing. Allele origin: germline. Observed: 1 variant allele.
Comment: PM3_strong, PM2

ARUP Laboratories, Molecular Genetics and Genomics, ARUP Laboratories
Classification: Uncertain significance. Last evaluated: 2018-05-07. Review status: criteria provided, single submitter. Criteria: ARUP Molecular Germline Variant Investigation Process. Collection method: clinical testing. Allele origin: germline.
Comment: The CFTR c.3083T>G; p.Met1028Arg variant (rs397508494) has been described in one adult patient affected with asthma and in one individual with congenital bilateral absence of the vas deferens who also harbored a pathogenic CFTR variant (Lazaro 1999, Steiner 2011). It is observed in the general population at a low overall frequency of 0.0008% (2/245840 alleles) in the Genome Aggregation Database. The methionine at codon 1028 is weakly conserved and computational algorithms (PolyPhen-2, SIFT) predict that this variant does not alter protein structure and/or function. Splicing algorithms predict that this variant creates a cryptic acceptor splice site, but with significantly reduced strength compared to the native acceptor site (Alamut v.2.11). Functional mRNA analyses are required to determine the effect of this variant on gene function. Due to limited information regarding this variant, its clinical significance cannot be determined with certainty. References: Lazaro C et al. Missense mutations in the cystic fibrosis gene in adult patients with asthma. Hum Mutat. 1999;14(6):510-9. Steiner B et al. Common CFTR haplotypes and susceptibility to chronic pancreatitis and congenital bilateral absence of the vas deferens. Hum Mutat. 2011 Aug;32(8):912-20.

Natera, Inc.
Classification: Uncertain significance for CFTR-related disorders. Last evaluated: 2018-09-06. Review status: no assertion criteria provided. Collection method: clinical testing. Allele origin: germline. Not counted in ClinVar's aggregate classification.

Literature cited by the submitters: PubMed 21520337 (cited by 3 submitters); PubMed 10571949 (cited by Women's Health and Genetics/Laboratory Corporation of America, LabCorp and Mayo Clinic Laboratories, Mayo Clinic); PubMed 23687349 (cited by Women's Health and Genetics/Laboratory Corporation of America, LabCorp and Labcorp Genetics (formerly Invitae), Labcorp); PubMed 29174009 (cited by Women's Health and Genetics/Laboratory Corporation of America, LabCorp and Mayo Clinic Laboratories, Mayo Clinic); PubMed 23523379 (cited by Women's Health and Genetics/Laboratory Corporation of America, LabCorp and Mayo Clinic Laboratories, Mayo Clinic); PubMed 22664493 (cited by Mayo Clinic Laboratories, Mayo Clinic).